The following is an entry in ClinVar:

NM_001034853.2(RPGR):c.1507-97T>C

Gene: RPGR (retinitis pigmentosa GTPase regulator; minus strand). Cytogenetic location: Xp11.4.
Variant type: single nucleotide variant.
Coding change: c.1507-97T>C on transcript NM_001034853.2 (MANE Select); 97 bases into the intron before coding-DNA position 1507, T replaced by C.
Molecular consequence: intron variant.
Genome position (GRCh38, 1-based): chrX:38,291,121, A>G on the plus strand (T>C on the coding strand, the complement: RPGR is on the minus strand). VCF-style: chrX-38291121-A-G. GRCh37 (hg19) VCF-style: chrX-38150374-A-G.
Other names: c.1504-97T>C (NM_001367249.1, NM_001367250.1, NM_001367245.1); c.1321-97T>C (NM_001367251.1, NM_001367246.1); c.1507-97T>C (NM_001367247.1, NM_000328.3); c.1537-97T>C (NM_001367248.1).
Identifiers: ClinVar variation 98745 (VCV000098745.5), dbSNP rs62635007, ClinGen allele CA226366.

ClinVar aggregate classification (germline): Benign. Review status: reviewed by expert panel (3 of 4 stars). 4 submissions from 4 submitters: Benign (1). 3 of the submissions do not count toward it. Last evaluated 2025-08-01.

Conditions:
RPGR-related retinopathy. Also called: RPGR retinopathy. Identifiers: MedGen CN305589, MONDO:0100437.

Allele frequency attached by ClinVar (database versions not stated): gnomAD 0.09351 and 0.09306; TOPMed 0.10410; gnomAD exomes 0.07277; 1000 Genomes Project 0.12980; 1000 Genomes Project 30x 0.13091.
gnomAD v4.1: 14,956 of 175,416 alleles (8.5%); highest among the groups gnomAD compares: South Asian, 20%; 639 homozygotes.

Submissions (4):

ClinGen X-linked Inherited Retinal Disease Variant Curation Expert Panel, ClinGen
Classification: Benign for RPGR-related retinopathy. Last evaluated: 2025-08-01. Review status: reviewed by expert panel. Criteria: ClinGen X LinkedIRD ACMG Specifications RPGR V1.0.0. Collection method: curation. Allele origin: germline. Inheritance: X-linked inheritance.
Comment: NM_001034853.2(RPGR):c.1507-97T>C is an intron 12 variant located 97 nucleotides from exon 13. This variant is present in gnomAD v4.1.0 at a frequency of 0.09773 among hemizygous individuals, with 4,178 variant alleles / 42,752 total alleles, which is higher than the ClinGen X-linked IRD VCEP BA1 threshold of >0.00005 (BA1). The splicing impact predictor SpliceAI gives a delta score of 0, which is below the ClinGen X-linked IRD VCEP recommended threshold of <0.1 and does not strongly predict an impact on splicing (BP4). The variant is located outside of the splice acceptor region (BP7). In summary, this variant is classified as benign for RPGR-related retinopathy based on the ClinGen X-linked Inherited Retinal Disease Expert Panel Specifications to the ACMG/AMP Variant Interpretation Guidelines for RPGR Version 1.0.0; BA1, BP4, and BP7. (date of approval 05/16/2025).

GeneDx
Classification: Benign. Last evaluated: 2019-10-05. Review status: criteria provided, single submitter. Criteria: GeneDx Variant Classification Process June 2021. Collection method: clinical testing. Allele origin: germline. Affected: yes. Not counted in ClinVar's aggregate classification.

Breakthrough Genomics
Classification: Benign. Review status: criteria provided, single submitter. Criteria: ACMG Guidelines, 2015. Collection method: not provided. Allele origin: germline. Inheritance: X-linked inheritance. Affected: yes. Not counted in ClinVar's aggregate classification.

Retina International
No classification provided. Review status: no classification provided. Collection method: not provided. Allele origin: not provided. Not counted in ClinVar's aggregate classification.